The following is an entry in ClinVar:

ClinVar aggregate classification (germline): Uncertain significance (1 of 4 stars; one submission).

Submission:

Labcorp Genetics (formerly Invitae), Labcorp
Classification: Uncertain significance. Last evaluated: 2022-05-08. Review status: criteria provided, single submitter. Criteria: Invitae Variant Classification Sherloc (09022015). Collection method: clinical testing. Allele origin: germline.
Comment: In summary, the available evidence is currently insufficient to determine the role of this variant in disease. Therefore, it has been classified as a Variant of Uncertain Significance. Advanced modeling of protein sequence and biophysical properties (such as structural, functional, and spatial information, amino acid conservation, physicochemical variation, residue mobility, and thermodynamic stability) performed at Invitae indicates that this missense variant is not expected to disrupt COL11A1 protein function. This variant has not been reported in the literature in individuals affected with COL11A1-related conditions. This variant is not present in population databases (gnomAD no frequency). This sequence change replaces arginine, which is basic and polar, with glycine, which is neutral and non-polar, at codon 1473 of the COL11A1 protein (p.Arg1473Gly).

NM_001854.4(COL11A1):c.4417C>G (p.Arg1473Gly)

Gene: COL11A1 (collagen type XI alpha 1 chain; minus strand). Cytogenetic location: 1p21.1.
Variant type: single nucleotide variant.
Coding change: c.4417C>G on transcript NM_001854.4 (MANE Select); coding-DNA position 4417, C replaced by G.
Protein change: p.Arg1473Gly; replaces arginine 1473 with glycine.
Molecular consequence: missense variant. On other transcripts: non-coding transcript variant (1).
Genome position (GRCh38, 1-based): chr1:102,889,502, G>C on the plus strand (C>G on the coding strand, the complement: COL11A1 is on the minus strand). VCF-style: chr1-102889502-G-C. GRCh37 (hg19) VCF-style: chr1-103355058-G-C.
Other names: c.4069C>G, p.Arg1357Gly (NM_001168249.1, NM_080630.4); c.4300C>G, p.Arg1434Gly (NM_001190709.2); c.4453C>G, p.Arg1485Gly (NM_080629.3); short protein forms R1434G, R1357G, R1473G, R1485G.
Identifiers: ClinVar variation 2135604 (VCV002135604.4), dbSNP rs1185917760, ClinGen allele CA341212672.